The following is an entry in ClinVar:

ClinVar aggregate classification (germline): Benign. Review status: criteria provided, multiple submitters, no conflicts (2 of 4 stars). 2 submissions from 2 submitters: Benign (2). Last evaluated 2018-08-16.

Allele frequency attached by ClinVar (database versions not stated): 1000 Genomes Project 0.07847; 1000 Genomes Project 30x 0.08073; TOPMed 0.09833; gnomAD 0.10498; ESP Exome Variant Server 0.10964.

Submissions (2):

GeneDx
Classification: Benign. Last evaluated: 2018-08-16. Review status: criteria provided, single submitter. Criteria: GeneDx Variant Classification Process June 2021. Collection method: clinical testing. Allele origin: germline. Affected: yes.
Comment: This variant is associated with the following publications: (PMID: 27535653)

Breakthrough Genomics
Classification: Benign. Review status: criteria provided, single submitter. Criteria: ACMG Guidelines, 2015. Collection method: not provided. Allele origin: germline. Inheritance: Unknown mechanism. Affected: yes.

NM_001040177.3(AKR1E2):c.901C>T (p.Arg301Ter)

Gene: AKR1E2 (aldo-keto reductase family 1 member E2; plus strand). Cytogenetic location: 10p15.1.
Variant type: single nucleotide variant.
Coding change: c.901C>T on transcript NM_001040177.3 (MANE Select); coding-DNA position 901, C replaced by T.
Protein change: p.Arg301Ter; replaces arginine 301 with a stop codon.
Molecular consequence: nonsense. On other transcripts: non-coding transcript variant (3).
Genome position (GRCh38, 1-based): chr10:4,847,211, C>T. VCF-style: chr10-4847211-C-T. GRCh37 (hg19) VCF-style: chr10-4889403-C-T.
Other names: c.730C>T, p.Arg244Ter (NM_001271021.2); c.607C>T, p.Arg203Ter (NM_001271025.2); short protein forms R203*, R244*, R301*.
Identifiers: ClinVar variation 1236443 (VCV001236443.4), dbSNP rs12240276, ClinGen allele CA5389325.